The following is an entry in ClinVar:

ClinVar aggregate classification (germline): Uncertain significance (1 of 4 stars; one submission).

Conditions:
Dilated cardiomyopathy 1J (CMD1J). Also called: CARDIOMYOPATHY, DILATED, WITH SENSORINEURAL HEARING LOSS, AUTOSOMAL DOMINANT. Identifiers: Orphanet 217622, MedGen C1854368, MONDO:0011541, OMIM 605362.

Submission:

Labcorp Genetics (formerly Invitae), Labcorp
Classification: Uncertain significance for Dilated cardiomyopathy 1J. Last evaluated: 2022-11-09. Review status: criteria provided, single submitter. Criteria: Invitae Variant Classification Sherloc (09022015). Collection method: clinical testing. Allele origin: germline.
Comment: This sequence change replaces cysteine, which is neutral and slightly polar, with arginine, which is basic and polar, at codon 584 of the EYA4 protein (p.Cys584Arg). This variant is not present in population databases (gnomAD no frequency). This variant has not been reported in the literature in individuals affected with EYA4-related conditions. Advanced modeling of protein sequence and biophysical properties (such as structural, functional, and spatial information, amino acid conservation, physicochemical variation, residue mobility, and thermodynamic stability) performed at Invitae indicates that this missense variant is expected to disrupt EYA4 protein function. In summary, the available evidence is currently insufficient to determine the role of this variant in disease. Therefore, it has been classified as a Variant of Uncertain Significance.

NM_004100.5(EYA4):c.1750T>C (p.Cys584Arg)

Genes: TARID (TCF21 antisense RNA inducing promoter demethylation; minus strand), EYA4 (EYA transcriptional coactivator and phosphatase 4; plus strand). Cytogenetic location: 6q23.2.
Variant type: single nucleotide variant.
Coding change: c.1750T>C on transcript NM_004100.5 (MANE Select); coding-DNA position 1750, T replaced by C.
Protein change: p.Cys584Arg; replaces cysteine 584 with arginine.
Molecular consequence: missense variant. On other transcripts: intron variant (3).
Genome position (GRCh38, 1-based): chr6:133,525,165, T>C. VCF-style: chr6-133525165-T-C. GRCh37 (hg19) VCF-style: chr6-133846303-T-C.
Other names: c.1768T>C, p.Cys590Arg (NM_001301013.2); c.1606T>C, p.Cys536Arg (NM_001370459.1); c.1681T>C, p.Cys561Arg (NM_172103.4); c.1839+50T>C (NM_172105.4); c.1770+50T>C (NM_001370458.1); c.1677+50T>C (NM_001301012.2); short protein forms C561R, C590R, C536R, C584R.
Identifiers: ClinVar variation 2813054 (VCV002813054.3), dbSNP rs1171944081, ClinGen allele CA365700461.